The following is an entry in ClinVar:

NM_006015.6(ARID1A):c.4388G>A (p.Arg1463His)

Gene: ARID1A (AT-rich interaction domain 1A; plus strand). Cytogenetic location: 1p36.11.
Variant type: single nucleotide variant.
Coding change: c.4388G>A on transcript NM_006015.6 (MANE Select); coding-DNA position 4388, G replaced by A.
Protein change: p.Arg1463His; replaces arginine 1463 with histidine.
Molecular consequence: missense variant. On other transcripts: intron variant (1).
Genome position (GRCh38, 1-based): chr1:26,774,615, G>A. VCF-style: chr1-26774615-G-A. GRCh37 (hg19) VCF-style: chr1-27101106-G-A.
Other names: c.4102-365G>A (NM_139135.4); short protein forms R1463H.
Identifiers: ClinVar variation 1325588 (VCV001325588.2), dbSNP rs752827461, ClinGen allele CA707452.

ClinVar aggregate classification (germline): Conflicting classifications of pathogenicity. Review status: criteria provided, conflicting classifications (1 of 4 stars). 2 submissions from 2 submitters: Uncertain significance (1); Likely benign (1). Last evaluated 2022-07-04.

Conditions:
Intellectual disability, autosomal dominant 14 (CSS2). Also called: COFFIN-SIRIS SYNDROME 2. Identifiers: Orphanet 1465, MedGen C3553247, MONDO:0013819, OMIM 614607.

Allele frequency attached by ClinVar (database versions not stated): gnomAD exomes 0.00001; ExAC 0.00002; gnomAD 0.00002; TOPMed 0.00003.
gnomAD v4.1: 23 of 1,614,102 alleles (0.0014%); highest among the groups gnomAD compares: African/African-American, 0.004%; no homozygotes.

Submissions (2):

Blueprint Genetics
Classification: Likely benign. Last evaluated: 2022-07-04. Review status: criteria provided, single submitter. Criteria: ACMG Guidelines, 2015. Collection method: clinical testing. Allele origin: germline.

New York Genome Center
Classification: Uncertain significance for Intellectual disability, autosomal dominant 14. Last evaluated: 2020-04-29. Review status: criteria provided, single submitter. Criteria: NYGC Assertion Criteria 2020. Collection method: clinical testing. Allele origin: germline. Observed: 1 heterozygote. Study: CSER-NYCKidSeq.
Comment: The heterozygous p.Arg1463His missense variant identified in ARID1A has not been reported in affected individuals in the available literature. This variant is found at low frequency in gnomAD (3 heterozygotes, 0 homozygotes; allele frequency:0.00001061) suggesting it is not a common benign variant in the populations represented in this database. The variant affects an evolutionarily conserved residue and is predicted deleterious by multiple in silico prediction tools. Given the lack of compelling evidence for its pathogenicity, the p.Arg1463His variant identified in the ARID1A gene is reported as a Variant of Uncertain Significance.